The following is an entry in ClinVar:

NM_001308093.3(GATA4):c.221C>A (p.Ala74Asp)

Gene: GATA4 (GATA binding protein 4). Cytogenetic location: 8p23.1.
Variant type: single nucleotide variant.
Coding change: c.221C>A on transcript NM_001308093.3 (MANE Select); coding-DNA position 221, C replaced by A.
Protein change: p.Ala74Asp; replaces alanine 74 with aspartic acid.
Molecular consequence: missense variant. On other transcripts: intron variant (3).
Genome position (GRCh38, 1-based): chr8:11,708,533, C>A. VCF-style: chr8-11708533-C-A. GRCh37 (hg19) VCF-style: chr8-11566042-C-A.
Other names: c.221C>A, p.Ala74Asp (NM_002052.5); c.-6+7755C>A (NM_001308094.2); c.-3+519C>A (NM_001374274.1); c.-3+4229C>A (NM_001374273.1); short protein forms A74D.
Identifiers: ClinVar variation 2703831 (VCV002703831.4), dbSNP rs1258064099, ClinGen allele CA370309181.
Genomic context (GRCh38, chr8:11,708,533, plus strand): 5'-TCCAGGGCGGAGGCGCGGGCTCTGCGTCCGGAGGCGCCTCGGGCGGCAGCTCCGGTGGGG[C>A]CGCGTCTGGTGCGGGGCCCGGGACCCAGCAGGGCAGCCCGGGATGGAGCCAGGCGGGAGC-3'
Protein context (NP_001295022.1, residues 64-84): GGASGGSSGG[Ala74Asp]ASGAGPGTQQ

ClinVar aggregate classification (germline): Uncertain significance. Review status: criteria provided, multiple submitters, no conflicts (2 of 4 stars). 2 submissions from 2 submitters: Uncertain significance (2). Last evaluated 2024-01-25.

Conditions:
Atrioventricular septal defect 4 (AVSD4). Identifiers: MedGen C3280781, MONDO:0013747, OMIM 614430.

Allele frequency attached by ClinVar (database versions not stated): gnomAD exomes 0.00001; TOPMed 0.00002.
gnomAD v4.1: 7 of 1,445,022 alleles (0.00048%); highest among the groups gnomAD compares: East Asian, 0.017%; no homozygotes.

Submissions (2):

Labcorp Genetics (formerly Invitae), Labcorp
Classification: Uncertain significance for Atrioventricular septal defect 4. Last evaluated: 2024-01-25. Review status: criteria provided, single submitter. Criteria: Invitae Variant Classification Sherloc (09022015). Collection method: clinical testing. Allele origin: germline.
Comment: This sequence change replaces alanine, which is neutral and non-polar, with aspartic acid, which is acidic and polar, at codon 74 of the GATA4 protein (p.Ala74Asp). The frequency data for this variant in the population databases is considered unreliable, as metrics indicate poor data quality at this position in the gnomAD database. This missense change has been observed in individual(s) with congenital heart disease (PMID: 23626780, 33142350). Advanced modeling of protein sequence and biophysical properties (such as structural, functional, and spatial information, amino acid conservation, physicochemical variation, residue mobility, and thermodynamic stability) performed at Invitae indicates that this missense variant is not expected to disrupt GATA4 protein function with a negative predictive value of 80%. Experimental studies have shown that this missense change affects GATA4 function (PMID: 23626780). In summary, the available evidence is currently insufficient to determine the role of this variant in disease. Therefore, it has been classified as a Variant of Uncertain Significance.

Blueprint Genetics
Classification: Uncertain significance. Last evaluated: 2020-09-01. Review status: criteria provided, single submitter. Criteria: ACMG Guidelines, 2015. Collection method: clinical testing. Allele origin: germline.

Literature cited by the submitters: PubMed 23626780 (cited by Labcorp Genetics (formerly Invitae), Labcorp); PubMed 33142350 (cited by Labcorp Genetics (formerly Invitae), Labcorp).